The following is an entry in ClinVar:

ClinVar aggregate classification (germline): Uncertain significance. Review status: criteria provided, multiple submitters, no conflicts (2 of 4 stars). 4 submissions from 4 submitters: Uncertain significance (2). 2 of the submissions do not count toward it. Last evaluated 2023-12-18.

Conditions:
Cohen syndrome (COH1). Also called: PEPPER SYNDROME; Cutis verticis gyrata, retinitis pigmentosa, and sensorineural deafness. Identifiers: Orphanet 193, MedGen C0265223, MONDO:0008999, OMIM 216550.
VPS13B-related disorder. Also called: VPS13B-related condition.

Allele frequency attached by ClinVar (database versions not stated): gnomAD 0.00001 and 0.00003; TOPMed 0.00002; ExAC 0.00005; gnomAD exomes 0.00006; 1000 Genomes Project 30x 0.00016; 1000 Genomes Project 0.00020.
gnomAD v4.1: 51 of 1,613,462 alleles (0.0032%); highest among the groups gnomAD compares: Non-Finnish European, 0.0019%; no homozygotes.

Submissions (4):

GeneDx
Classification: Uncertain significance. Last evaluated: 2023-12-18. Review status: criteria provided, single submitter. Criteria: GeneDx Variant Classification Process June 2021. Collection method: clinical testing. Allele origin: germline. Affected: yes.
Comment: In silico analysis supports that this missense variant does not alter protein structure/function; Has not been previously published as pathogenic or benign to our knowledge

Labcorp Genetics (formerly Invitae), Labcorp
Classification: Uncertain significance for Cohen syndrome. Last evaluated: 2022-08-01. Review status: criteria provided, single submitter. Criteria: Invitae Variant Classification Sherloc (09022015). Collection method: clinical testing. Allele origin: germline.
Comment: This sequence change replaces arginine, which is basic and polar, with glutamine, which is neutral and polar, at codon 3586 of the VPS13B protein (p.Arg3586Gln). This variant is present in population databases (rs549125520, gnomAD 0.1%). This variant has not been reported in the literature in individuals affected with VPS13B-related conditions. ClinVar contains an entry for this variant (Variation ID: 528848). Algorithms developed to predict the effect of missense changes on protein structure and function are either unavailable or do not agree on the potential impact of this missense change (SIFT: "Not Available"; PolyPhen-2: "Benign"; Align-GVGD: "Not Available"). In summary, the available evidence is currently insufficient to determine the role of this variant in disease. Therefore, it has been classified as a Variant of Uncertain Significance.

PreventionGenetics, part of Exact Sciences
Classification: Uncertain significance for VPS13B-related condition. Last evaluated: 2024-08-05. Review status: no assertion criteria provided. Collection method: clinical testing. Allele origin: germline. Not counted in ClinVar's aggregate classification.
Comment: The VPS13B c.10682G>A variant is predicted to result in the amino acid substitution p.Arg3561Gln. To our knowledge, this variant has not been reported in the literature. This variant is reported in 0.14% of alleles in individuals of Ashkenazi Jewish descent in gnomAD, but at less than 0.01 % in other populations. At this time, the clinical significance of this variant is uncertain due to the absence of conclusive functional and genetic evidence.

Natera, Inc.
Classification: Uncertain significance for Cohen syndrome. Last evaluated: 2019-11-11. Review status: no assertion criteria provided. Collection method: clinical testing. Allele origin: germline. Not counted in ClinVar's aggregate classification.

NM_152564.5(VPS13B):c.10682G>A (p.Arg3561Gln)

Gene: VPS13B (vacuolar protein sorting 13 homolog B; plus strand). Cytogenetic location: 8q22.2.
Variant type: single nucleotide variant.
Coding change: c.10682G>A on transcript NM_152564.5 (MANE Select); coding-DNA position 10682, G replaced by A.
Protein change: p.Arg3561Gln; replaces arginine 3561 with glutamine.
Molecular consequence: missense variant.
Genome position (GRCh38, 1-based): chr8:99,854,071, G>A. VCF-style: chr8-99854071-G-A. GRCh37 (hg19) VCF-style: chr8-100866299-G-A.
Other names: c.10757G>A, p.Arg3586Gln (NM_017890.5); c.10682G>A (NM_152564.4); c.10757G>A (NM_017890.3); short protein forms R3586Q, R3561Q.
Identifiers: ClinVar variation 528848 (VCV000528848.8), dbSNP rs549125520, ClinGen allele CA4824996.